The following is an entry in ClinVar:

ClinVar aggregate classification (germline): Uncertain significance (1 of 4 stars; one submission).

Conditions:
Familial cancer of breast. Also called: BREAST CANCER, FAMILIAL; Hereditary breast cancer; hereditary breast carcinoma. Identifiers: Orphanet 227535, MedGen C0346153, MONDO:0016419, OMIM 114480. Disease mechanism: loss of function.

Submission:

Labcorp Genetics (formerly Invitae), Labcorp
Classification: Uncertain significance for Familial cancer of breast. Last evaluated: 2025-05-28. Review status: criteria provided, single submitter. Criteria: Invitae Variant Classification Sherloc (09022015). Collection method: clinical testing. Allele origin: germline.
Comment: This sequence change replaces leucine, which is neutral and non-polar, with proline, which is neutral and non-polar, at codon 648 of the PALB2 protein (p.Leu648Pro). This variant is not present in population databases (gnomAD no frequency). This variant has not been reported in the literature in individuals affected with PALB2-related conditions. Invitae Evidence Modeling of protein sequence and biophysical properties (such as structural, functional, and spatial information, amino acid conservation, physicochemical variation, residue mobility, and thermodynamic stability) indicates that this missense variant is not expected to disrupt PALB2 protein function with a negative predictive value of 80%. In summary, the available evidence is currently insufficient to determine the role of this variant in disease. Therefore, it has been classified as a Variant of Uncertain Significance.

NM_024675.4(PALB2):c.1943T>C (p.Leu648Pro)

Gene: PALB2 (partner and localizer of BRCA2; minus strand). Cytogenetic location: 16p12.2.
Variant type: single nucleotide variant.
Coding change: c.1943T>C on transcript NM_024675.4 (MANE Select); coding-DNA position 1943, T replaced by C.
Protein change: p.Leu648Pro; replaces leucine 648 with proline.
Molecular consequence: missense variant. On other transcripts: intron variant (1).
Genome position (GRCh38, 1-based): chr16:23,630,211, A>G on the plus strand (T>C on the coding strand, the complement: PALB2 is on the minus strand). VCF-style: chr16-23630211-A-G. GRCh37 (hg19) VCF-style: chr16-23641532-A-G.
Other names: c.1883T>C, p.Leu628Pro (NM_001407296.1); c.1943T>C, p.Leu648Pro (NM_001407297.1, NM_001407298.1, NM_001407299.1 and 3 more transcripts); c.1058T>C, p.Leu353Pro (NM_001407304.1, NM_001407305.1, NM_001407306.1 and 5 more transcripts); c.155T>C, p.Leu52Pro (NM_001407312.1, NM_001407313.1); c.49-936T>C (NM_001407314.1); short protein forms L353P, L628P, L52P, L648P.
Identifiers: ClinVar variation 4744737 (VCV004744737.1).